The following is an entry in ClinVar:

NM_005559.4(LAMA1):c.7142G>A (p.Arg2381His)

Gene: LAMA1 (laminin subunit alpha 1; minus strand). Cytogenetic location: 18p11.31.
Variant type: single nucleotide variant.
Coding change: c.7142G>A on transcript NM_005559.4 (MANE Select); coding-DNA position 7142, G replaced by A.
Protein change: p.Arg2381His; replaces arginine 2381 with histidine.
Molecular consequence: missense variant.
Genome position (GRCh38, 1-based): chr18:6,965,341, C>T on the plus strand (G>A on the coding strand, the complement: LAMA1 is on the minus strand). VCF-style: chr18-6965341-C-T. GRCh37 (hg19) VCF-style: chr18-6965340-C-T.
Other names: c.7142G>A (NM_005559.3); short protein forms R2381H.
Identifiers: ClinVar variation 2188129 (VCV002188129.5), dbSNP rs113764106, ClinGen allele CA8881005.

ClinVar aggregate classification (germline): Uncertain significance. Review status: criteria provided, multiple submitters, no conflicts (2 of 4 stars). 4 submissions from 4 submitters: Uncertain significance (3). 1 of the submissions does not count toward it. Last evaluated 2026-01-10.

Conditions:
Retinal dystrophy. Also called: Inherited retinal dystrophy. Identifiers: Orphanet 71862, MedGen C0854723, MeSH D058499, MONDO:0019118, HP:0000556.
Inborn genetic diseases. Identifiers: MedGen C0950123, MeSH D030342.

Allele frequency attached by ClinVar (database versions not stated): gnomAD exomes 0.00002; gnomAD 0.00003; ExAC 0.00006; TOPMed 0.00007.
gnomAD v4.1: 51 of 1,614,188 alleles (0.0032%); highest among the groups gnomAD compares: East Asian, 0.042%; no homozygotes.

Submissions (4):

GeneDx
Classification: Uncertain significance. Last evaluated: 2026-01-10. Review status: criteria provided, single submitter. Criteria: GeneDx Variant Classification Process June 2021. Collection method: clinical testing. Allele origin: germline.
Comment: Reported in a proband with proximal symphalangism who also harbors additional variants identified via whole exome sequencing (PMID: 31370824); In silico analysis suggests that this missense variant does not alter protein structure/function; This variant is associated with the following publications: (PMID: 31370824)

Labcorp Genetics (formerly Invitae), Labcorp
Classification: Uncertain significance. Last evaluated: 2023-11-01. Review status: criteria provided, single submitter. Criteria: Invitae Variant Classification Sherloc (09022015). Collection method: clinical testing. Allele origin: germline.
Comment: This sequence change replaces arginine, which is basic and polar, with histidine, which is basic and polar, at codon 2381 of the LAMA1 protein (p.Arg2381His). This variant is present in population databases (rs113764106, gnomAD 0.07%). This variant has not been reported in the literature in individuals affected with LAMA1-related conditions. ClinVar contains an entry for this variant (Variation ID: 2188129). Advanced modeling of protein sequence and biophysical properties (such as structural, functional, and spatial information, amino acid conservation, physicochemical variation, residue mobility, and thermodynamic stability) performed at Invitae indicates that this missense variant is not expected to disrupt LAMA1 protein function with a negative predictive value of 80%. In summary, the available evidence is currently insufficient to determine the role of this variant in disease. Therefore, it has been classified as a Variant of Uncertain Significance.

Ambry Genetics
Classification: Uncertain significance for Inborn genetic diseases. Last evaluated: 2022-11-07. Review status: criteria provided, single submitter. Criteria: Ambry Variant Classification Scheme 2023. Collection method: clinical testing. Allele origin: germline.

Institute of Human Genetics, Univ. Regensburg, Univ. Regensburg
Classification: Uncertain significance for Retinal dystrophy. Last evaluated: 2022-01-01. Review status: no assertion criteria provided. Criteria: ACMG Guidelines, 2015. Collection method: clinical testing. Allele origin: germline. Affected: yes. Not counted in ClinVar's aggregate classification.